The following is an entry in ClinVar:

ClinVar aggregate classification (germline): Conflicting classifications of pathogenicity. Review status: criteria provided, conflicting classifications (1 of 4 stars). 2 submissions from 2 submitters: Uncertain significance (1); Benign (1). Last evaluated 2025-01-31.

Conditions:
Intellectual developmental disorder, X-linked 90. Also called: DLG3-Related X-Linked Nonsyndromic Mental Retardation; Intellectual disability, X-linked 90. Identifiers: Orphanet 777, MedGen C3275443, MONDO:0010452, OMIM 300850.
Inborn genetic diseases. Identifiers: MedGen C0950123, MeSH D030342.

Allele frequency attached by ClinVar (database versions not stated): gnomAD 0.00002 and 0.00001; 1000 Genomes Project 30x 0.00021; ExAC 0.00024; TOPMed 0.00006; gnomAD exomes 0.00002 and 0.00007; 1000 Genomes Project 0.00026.
gnomAD v4.1: 23 of 1,167,472 alleles (0.002%); highest among the groups gnomAD compares: East Asian, 0.039%; no homozygotes.

Submissions (2):

Equipe Genetique des Anomalies du Developpement, Université de Bourgogne
Classification: Benign for Intellectual developmental disorder, X-linked 90. Last evaluated: 2025-01-31. Review status: criteria provided, single submitter. Criteria: ACMG Guidelines, 2015. Collection method: curation. Allele origin: germline. Affected: yes.
Comment: Literature review. This variant is a missense which replaces a glycine with a valine at position 43. Hemizygous pathogenic variants in DLG3 are reported in an autosomal dominant intellectual disability (OMIM #300850). This variant is present in 5 males individuals in the population database gnomAD (v4.1.0). It has previously been reported in ClinVar and was reported in the literature (PMID:38249294). In silico prediction scores are inconclusive. Based on these evidences, the variant was classified as likely benign.

Ambry Genetics
Classification: Uncertain significance for Inborn genetic diseases. Last evaluated: 2020-03-30. Review status: criteria provided, single submitter. Criteria: Ambry Variant Classification Scheme 2023. Collection method: clinical testing. Allele origin: germline.
Comment: The alteration results in an amino acid change:_x000D_ _x000D_ The c.128G>T (p.G43V) alteration is located in exon 1 (coding exon 1) of the DLG3 gene. This alteration results from a G to T substitution at nucleotide position 128, causing the glycine (G) at amino acid position 43 to be replaced by a valine (V). The alteration has been observed in population databases:_x000D_ _x000D_ Based on data from the Genome Aggregation Database (gnomAD), the DLG3 c.128G>T alteration was observed in 0.007% (7/104956) of total alleles studied, with a frequency of 0.08% (7/8476) in the East Asian subpopulation; no hemizygous males were observed. The altered amino acid is conserved throughout evolution:_x000D_ _x000D_ The p.G43 amino acid is conserved in available vertebrate species. The alteration is predicted tolerated by in silico modeling:_x000D_ _x000D_ The p.G43V alteration is predicted to be tolerated by in silico analysis. Based on insufficient or conflicting evidence, the clinical significance of this alteration remains unclear.

Literature cited by the submitters: PubMed 38249294 (cited by Equipe Genetique des Anomalies du Developpement, Université de Bourgogne).

NM_021120.4(DLG3):c.128G>T (p.Gly43Val)

Gene: DLG3 (discs large MAGUK scaffold protein 3; plus strand). Cytogenetic location: Xq13.1.
Variant type: single nucleotide variant.
Coding change: c.128G>T on transcript NM_021120.4 (MANE Select); coding-DNA position 128, G replaced by T.
Protein change: p.Gly43Val; replaces glycine 43 with valine.
Molecular consequence: missense variant.
Genome position (GRCh38, 1-based): chrX:70,445,329, G>T. VCF-style: chrX-70445329-G-T. GRCh37 (hg19) VCF-style: chrX-69665179-G-T.
Other names: short protein forms G43V.
Identifiers: ClinVar variation 985614 (VCV000985614.6), dbSNP rs778855350, ClinGen allele CA10441901.
Genomic context (GRCh38, chrX:70,445,329, plus strand): 5'-GGCGCCTCGAGCCTCCGGGCTACGGCGACTGGCAAGTCCCCGACCCTTACGGGCCAGGTG[G>T]GGGCAACGGCGCCAGCGCGGGTTATGGGGGCTACAGCTCGCAGACCTTGCCCTCGCAGGC-3'
Protein context (NP_066943.2, residues 33-53): WQVPDPYGPG[Gly43Val]GNGASAGYGG